The following is an entry in ClinVar:

ClinVar aggregate classification (germline): Uncertain significance (1 of 4 stars; one submission).

Submission:

Ambry Genetics
Classification: Uncertain significance. Last evaluated: 2025-12-22. Review status: criteria provided, single submitter. Criteria: Ambry Variant Classification Scheme 2023. Collection method: clinical testing. Allele origin: germline.
Comment: The p.Y1770D variant (also known as c.5308T>G), located in coding exon 46 of the KIF1B gene, results from a T to G substitution at nucleotide position 5308. The tyrosine at codon 1770 is replaced by aspartic acid, an amino acid with highly dissimilar properties. This amino acid position is conserved. In addition, this alteration is predicted to be tolerated by in silico analysis. Based on the available evidence, the clinical significance of this variant remains unclear.

NM_001365951.3(KIF1B):c.5446T>G (p.Tyr1816Asp)

Gene: KIF1B (kinesin family member 1B; plus strand). Cytogenetic location: 1p36.22.
Variant type: single nucleotide variant.
Coding change: c.5446T>G on transcript NM_001365951.3 (MANE Select); coding-DNA position 5446, T replaced by G.
Protein change: p.Tyr1816Asp; replaces tyrosine 1816 with aspartic acid.
Molecular consequence: missense variant.
Genome position (GRCh38, 1-based): chr1:10,376,582, T>G. VCF-style: chr1-10376582-T-G. GRCh37 (hg19) VCF-style: chr1-10436640-T-G.
Other names: c.5446T>G, p.Tyr1816Asp (NM_001365952.1); c.5308T>G, p.Tyr1770Asp (NM_015074.3); short protein forms Y1770D, Y1816D.
Identifiers: ClinVar variation 4841875 (VCV004841875.1).